The following is an entry in ClinVar:

ClinVar aggregate classification (germline): Conflicting classifications of pathogenicity. Review status: criteria provided, conflicting classifications (1 of 4 stars). 2 submissions from 2 submitters: Uncertain significance (1); Likely benign (1). Last evaluated 2025-07-30.

Conditions:
Microcephaly 3, primary, autosomal recessive. Identifiers: Orphanet 2512, MedGen C1858108, MONDO:0011488, OMIM 604804.

Allele frequency attached by ClinVar (database versions not stated): gnomAD 0.00001; gnomAD exomes 0.00001; TOPMed 0.00001; ExAC 0.00002.
gnomAD v4.1: 11 of 1,551,018 alleles (0.00071%); highest among the groups gnomAD compares: Admixed American, 0.0017%; no homozygotes.

Submissions (2):

Labcorp Genetics (formerly Invitae), Labcorp
Classification: Likely benign. Last evaluated: 2025-07-30. Review status: criteria provided, single submitter. Criteria: Invitae Variant Classification Sherloc (09022015). Collection method: clinical testing. Allele origin: germline.

Centre for Mendelian Genomics, University Medical Centre Ljubljana
Classification: Uncertain significance for Microcephaly 3, primary, autosomal recessive. Last evaluated: 2018-11-16. Review status: criteria provided, single submitter. Criteria: ACMG Guidelines, 2015. Collection method: clinical testing. Allele origin: unknown. Affected: yes.
Comment: This variant was classified as: Uncertain significance. The available evidence on this variant's pathogenicity is insufficient or conflicting. The following ACMG criteria were applied in classifying this variant: PM2,BP4.

NM_018249.6(CDK5RAP2):c.1627-18G>T

Gene: CDK5RAP2 (CDK5 regulatory subunit associated protein 2; minus strand). Cytogenetic location: 9q33.2.
Variant type: single nucleotide variant.
Coding change: c.1627-18G>T on transcript NM_018249.6 (MANE Select); 18 bases into the intron before coding-DNA position 1627, G replaced by T.
Molecular consequence: intron variant.
Genome position (GRCh38, 1-based): chr9:120,477,468, C>A on the plus strand (G>T on the coding strand, the complement: CDK5RAP2 is on the minus strand). VCF-style: chr9-120477468-C-A. GRCh37 (hg19) VCF-style: chr9-123239746-C-A.
Other names: c.1627-18G>T (NM_001272039.2, NM_001011649.3).
Identifiers: ClinVar variation 930221 (VCV000930221.4), dbSNP rs762782636, ClinGen allele CA5214323.
Genomic context (GRCh38, chr9:120,477,468, plus strand): 5'-AGACCTGAATCAGCTCTTCATAGTCTGATGATTGTTTCTTTTCCTGGAAATGACAATGGG[C>A]ATTTGACATTAAGGAAAGAATTTTGAAAGAGTACATCCTTATATTATGCAAACATATGTA-3'